The following is an entry in ClinVar:

NM_022786.3(ARV1):c.302G>A (p.Gly101Glu)

Gene: ARV1 (ARV1 fatty acid homeostasis modulator; plus strand). Cytogenetic location: 1q42.2.
Variant type: single nucleotide variant.
Coding change: c.302G>A on transcript NM_022786.3 (MANE Select); coding-DNA position 302, G replaced by A.
Protein change: p.Gly101Glu; replaces glycine 101 with glutamic acid.
Molecular consequence: missense variant. On other transcripts: non-coding transcript variant (1).
Genome position (GRCh38, 1-based): chr1:230,990,117, G>A. VCF-style: chr1-230990117-G-A. GRCh37 (hg19) VCF-style: chr1-231125863-G-A.
Other names: c.302G>A, p.Gly101Glu (NM_001346992.2); c.302G>A (NM_022786.2); short protein forms G101E.
Identifiers: ClinVar variation 789436 (VCV000789436.8), dbSNP rs35764859, ClinGen allele CA1450447.

ClinVar aggregate classification (germline): Benign. Review status: criteria provided, multiple submitters, no conflicts (2 of 4 stars). 4 submissions from 4 submitters: Benign (3). 1 of the submissions does not count toward it. Last evaluated 2025-07-17.

Conditions:
ARV1-related disorder. Also called: ARV1-related condition. Identifiers: MedGen CN235539.
Developmental and epileptic encephalopathy, 38 (DEE38). Also called: Epileptic encephalopathy, early infantile, 38. Identifiers: MedGen C4310762, MONDO:0014868, OMIM 617020.

Allele frequency attached by ClinVar (database versions not stated): gnomAD exomes 0.00565 and 0.00673; gnomAD 0.00415 and 0.00354; ESP Exome Variant Server 0.00461; 1000 Genomes Project 30x 0.00468; TOPMed 0.00422; 1000 Genomes Project 0.00519; ExAC 0.00565.
gnomAD v4.1: 10,530 of 1,603,664 alleles (0.66%); highest among the groups gnomAD compares: South Asian, 2%; 67 homozygotes.

Submissions (4):

ARUP Laboratories, Molecular Genetics and Genomics, ARUP Laboratories
Classification: Benign for Developmental and epileptic encephalopathy, 38. Last evaluated: 2025-07-17. Review status: criteria provided, single submitter. Criteria: ARUP Molecular Germline Variant Investigation Process 2024. Collection method: clinical testing. Allele origin: germline.

Labcorp Genetics (formerly Invitae), Labcorp
Classification: Benign. Last evaluated: 2019-12-31. Review status: criteria provided, single submitter. Criteria: Invitae Variant Classification Sherloc (09022015). Collection method: clinical testing. Allele origin: germline.

Breakthrough Genomics
Classification: Benign. Review status: criteria provided, single submitter. Criteria: ACMG Guidelines, 2015. Collection method: not provided. Allele origin: germline. Inheritance: Autosomal recessive inheritance. Affected: yes.

PreventionGenetics, part of Exact Sciences
Classification: Benign for ARV1-related condition. Last evaluated: 2019-05-17. Review status: no assertion criteria provided. Collection method: clinical testing. Allele origin: germline. Not counted in ClinVar's aggregate classification.
Comment: This variant is classified as benign based on ACMG/AMP sequence variant interpretation guidelines (Richards et al. 2015 PMID: 25741868, with internal and published modifications).